The following is an entry in ClinVar:

ClinVar aggregate classification (germline): Benign/Likely benign. Review status: criteria provided, multiple submitters, no conflicts (2 of 4 stars). 2 submissions from 2 submitters: Benign (1); Likely benign (1). Last evaluated 2025-10-01.

Conditions:
Infantile-onset X-linked spinal muscular atrophy. Also called: Spinal muscular atrophy, X-linked 2; AMC, DISTAL, X-LINKED; ARTHROGRYPOSIS, X-LINKED, TYPE I; SPINAL MUSCULAR ATROPHY, X-LINKED LETHAL INFANTILE; Spinal Muscular Atrophy, X-Linked Infantile. Identifiers: Orphanet 1145, MedGen C1844934, MONDO:0010532, OMIM 301830.

Allele frequency attached by ClinVar (database versions not stated): TOPMed below 0.00001; gnomAD exomes 0.00001; gnomAD 0.00002.
gnomAD v4.1: 8 of 1,208,911 alleles (0.00066%); highest among the groups gnomAD compares: East Asian, 0.0089%; no homozygotes.

Submissions (2):

CeGaT Center for Human Genetics Tuebingen
Classification: Likely benign. Last evaluated: 2025-10-01. Review status: criteria provided, single submitter. Criteria: CeGaT Center For Human Genetics Tuebingen Variant Classification Criteria Version 2. Collection method: clinical testing. Allele origin: germline. Affected: yes. Observed: 1 variant allele.
Comment: UBA1: BP4, BS2

Labcorp Genetics (formerly Invitae), Labcorp
Classification: Benign for Infantile-onset X-linked spinal muscular atrophy. Last evaluated: 2025-07-27. Review status: criteria provided, single submitter. Criteria: Invitae Variant Classification Sherloc (09022015). Collection method: clinical testing. Allele origin: germline.

NM_003334.4(UBA1):c.1483G>A (p.Gly495Arg)

Gene: UBA1 (ubiquitin like modifier activating enzyme 1; plus strand). Cytogenetic location: Xp11.3.
Variant type: single nucleotide variant.
Coding change: c.1483G>A on transcript NM_003334.4 (MANE Select); coding-DNA position 1483, G replaced by A.
Protein change: p.Gly495Arg; replaces glycine 495 with arginine.
Molecular consequence: missense variant.
Genome position (GRCh38, 1-based): chrX:47,203,604, G>A. VCF-style: chrX-47203604-G-A. GRCh37 (hg19) VCF-style: chrX-47063003-G-A.
Other names: c.1483G>A, p.Gly495Arg (NM_153280.3); short protein forms G495R.
Identifiers: ClinVar variation 1916782 (VCV001916782.11), dbSNP rs1556789396, ClinGen allele CA412798549.